The following is an entry in ClinVar:

NM_182914.3(SYNE2):c.14157G>T (p.Met4719Ile)

Gene: SYNE2 (spectrin repeat containing nuclear envelope protein 2; plus strand). Cytogenetic location: 14q23.2.
Variant type: single nucleotide variant.
Coding change: c.14157G>T on transcript NM_182914.3 (MANE Select); coding-DNA position 14157, G replaced by T.
Protein change: p.Met4719Ile; replaces methionine 4719 with isoleucine.
Molecular consequence: missense variant.
Genome position (GRCh38, 1-based): chr14:64,130,065, G>T. VCF-style: chr14-64130065-G-T. GRCh37 (hg19) VCF-style: chr14-64596783-G-T.
Other names: c.14157G>T, p.Met4719Ile (NM_015180.6); short protein forms M4719I.
Identifiers: ClinVar variation 643934 (VCV000643934.9), dbSNP rs140797941, ClinGen allele CA7222706.
Genomic context (GRCh38, chr14:64,130,065, plus strand): 5'-GTTGGATGAAAATGCATGTGTGCACCTGCTCTTCTCTTTTCAGGATGTACTTGACAGTAT[G>T]TGGGGAATGCTAAGAGCCAGGTACACAGAACTCAGCAGCCCTTTCGTCACTGAGAGCCAG-3'
Protein context (NP_878918.2, residues 4709-4729): VYKLEDVLDS[Met4719Ile]WGMLRARYTE

ClinVar aggregate classification (germline): Uncertain significance. Review status: criteria provided, multiple submitters, no conflicts (2 of 4 stars). 2 submissions from 2 submitters: Uncertain significance (2). Last evaluated 2025-07-23.

Conditions:
Emery-Dreifuss muscular dystrophy 5, autosomal dominant (EDMD5). Also called: EMERY-DREIFUSS MUSCULAR DYSTROPHY 5. Identifiers: Orphanet 261, MedGen C2751805, MONDO:0013072, OMIM 612999.

Allele frequency attached by ClinVar (database versions not stated): ExAC 0.00002; TOPMed 0.00002; ESP Exome Variant Server 0.00008.
gnomAD v4.1: 17 of 1,613,828 alleles (0.0011%); highest among the groups gnomAD compares: Admixed American, 0.0033%; no homozygotes.

Submissions (2):

Labcorp Genetics (formerly Invitae), Labcorp
Classification: Uncertain significance for Emery-Dreifuss muscular dystrophy 5, autosomal dominant. Last evaluated: 2025-07-23. Review status: criteria provided, single submitter. Criteria: Invitae Variant Classification Sherloc (09022015). Collection method: clinical testing. Allele origin: germline.
Comment: This sequence change replaces methionine, which is neutral and non-polar, with isoleucine, which is neutral and non-polar, at codon 4719 of the SYNE2 protein (p.Met4719Ile). This variant is present in population databases (rs140797941, gnomAD 0.007%). This variant has not been reported in the literature in individuals affected with SYNE2-related conditions. ClinVar contains an entry for this variant (Variation ID: 643934). An algorithm developed to predict the effect of missense changes on protein structure and function (PolyPhen-2) suggests that this variant is likely to be tolerated. In summary, the available evidence is currently insufficient to determine the role of this variant in disease. Therefore, it has been classified as a Variant of Uncertain Significance.

Ambry Genetics
Classification: Uncertain significance. Last evaluated: 2025-03-21. Review status: criteria provided, single submitter. Criteria: Ambry Variant Classification Scheme 2023. Collection method: clinical testing. Allele origin: germline.